The following is an entry in ClinVar:

NM_003079.5(SMARCE1):c.989A>G (p.Glu330Gly)

Gene: SMARCE1 (SWI/SNF related BAF chromatin remodeling complex subunit E1; minus strand). Cytogenetic location: 17q21.2.
Variant type: single nucleotide variant.
Coding change: c.989A>G on transcript NM_003079.5 (MANE Select); coding-DNA position 989, A replaced by G.
Protein change: p.Glu330Gly; replaces glutamic acid 330 with glycine.
Molecular consequence: missense variant.
Genome position (GRCh38, 1-based): chr17:40,630,752, T>C on the plus strand (A>G on the coding strand, the complement: SMARCE1 is on the minus strand). VCF-style: chr17-40630752-T-C. GRCh37 (hg19) VCF-style: chr17-38787004-T-C.
Other names: short protein forms E330G.
Identifiers: ClinVar variation 3320866 (VCV003320866.1).

ClinVar aggregate classification (germline): Uncertain significance (1 of 4 stars; one submission).

Conditions:
Hereditary cancer-predisposing syndrome. Also called: Neoplastic Syndromes, Hereditary; Tumor predisposition; Hereditary neoplastic syndrome; Hereditary Cancer Syndrome. Identifiers: Orphanet 140162, MedGen C0027672, MeSH D009386, MONDO:0015356.

Submission:

Ambry Genetics
Classification: Uncertain significance for Hereditary cancer-predisposing syndrome. Last evaluated: 2024-06-17. Review status: criteria provided, single submitter. Criteria: Ambry Variant Classification Scheme 2023. Collection method: clinical testing. Allele origin: germline.
Comment: The p.E330G variant (also known as c.989A>G), located in coding exon 9 of the SMARCE1 gene, results from an A to G substitution at nucleotide position 989. The glutamic acid at codon 330 is replaced by glycine, an amino acid with similar properties. This amino acid position is conserved. In addition, this alteration is predicted to be tolerated by in silico analysis. Based on the available evidence, the clinical significance of this variant remains unclear.